The following is an entry in ClinVar:

NM_004086.3(COCH):c.538C>T (p.Arg180Ter)

Genes: COCH (cochlin; plus strand), COCH-AS1 (COCH antisense RNA 1; minus strand). Cytogenetic location: 14q12.
Variant type: single nucleotide variant.
Coding change: c.538C>T on transcript NM_004086.3 (MANE Select); coding-DNA position 538, C replaced by T.
Protein change: p.Arg180Ter; replaces arginine 180 with a stop codon.
Molecular consequence: nonsense.
Genome position (GRCh38, 1-based): chr14:30,880,643, C>T. VCF-style: chr14-30880643-C-T. GRCh37 (hg19) VCF-style: chr14-31349849-C-T.
Other names: c.538C>T, p.Arg180Ter (NM_001135058.2); c.733C>T, p.Arg245Ter (NM_001347720.2); c.538C>T (NM_004086.2); short protein forms R180*, R245*.
Identifiers: ClinVar variation 1065111 (VCV001065111.4), dbSNP rs559481815, ClinGen allele CA7143083.
Genomic context (GRCh38, chr14:30,880,643, plus strand): 5'-GCAGATTGTAAAGCAGACATTGCATTTCTGATTGATGGAAGCTTTAATATTGGGCAGCGC[C>T]GATTTAATTTACAGAAGAATTTTGTTGGAAAAGTGGCTCTAATGTTGGGAATTGGAACAG-3'

ClinVar aggregate classification (germline): Pathogenic/Likely pathogenic. Review status: criteria provided, multiple submitters, no conflicts (2 of 4 stars). 2 submissions from 2 submitters: Pathogenic (1); Likely pathogenic (1). Last evaluated 2023-07-17.

Conditions:
Hearing loss, autosomal recessive 110. Also called: DEAFNESS, AUTOSOMAL RECESSIVE 110. Identifiers: MedGen C4748162, MONDO:0054860, OMIM 618094.
Hearing impairment. Also called: Impaired Hearing. Identifiers: MedGen C1384666, MONDO:0005365, HP:0000365.

Allele frequency attached by ClinVar (database versions not stated): gnomAD exomes 0.00002 and 0.00001; 1000 Genomes Project 30x 0.00016; 1000 Genomes Project 0.00020; ExAC 0.00001; gnomAD 0.00001; TOPMed 0.00001.
gnomAD v4.1: 27 of 1,613,882 alleles (0.0017%); highest among the groups gnomAD compares: East Asian, 0.0045%; no homozygotes.

Submissions (2):

Victorian Clinical Genetics Services, Murdoch Childrens Research Institute
Classification: Pathogenic for Hearing loss, autosomal recessive 110. Last evaluated: 2023-07-17. Review status: criteria provided, single submitter. Criteria: ACMG Guidelines, 2015. Collection method: clinical testing. Allele origin: germline. Inheritance: Autosomal recessive inheritance. Affected: yes.
Comment: Based on the classification scheme VCGS_Germline_v1.3.4, this variant is classified as Pathogenic. Following criteria are met: 0103 - Loss of function is a known mechanism of disease in this gene and is associated with autosomal recessive deafness 110 (MIM#618094; PMID: 32562050). Dominant negative is also a likely mechanism of disease in this gene and is associated with autosomal dominant deafness 9 (MIM#601369; PMID: 25230692). (I) 0108 - This gene is associated with both recessive and dominant disease (PMID: 25230692, PMID: 32562050). (I) 0201 - Variant is predicted to cause nonsense-mediated decay (NMD) and loss of protein (premature termination codon is located at least 54 nucleotides upstream of the final exon-exon junction). (SP) 0251 - This variant is heterozygous. (I) 0304 - Variant is present in gnomAD (v2) <0.01 (2 heterozygotes, 0 homozygotes). (SP) 0701 - Other NMD predicted variants comparable to the one identified in this case have very strong previous evidence for pathogenicity (ClinVar, PMID: 32562050). (SP) 0803 - This variant has limited previous evidence of pathogenicity in an unrelated individual. This variant has been reported as likely pathogenic in ClinVar. (SP) 0905 - No published segregation evidence has been identified for this variant. (I) 1007 - No published functional evidence has been identified for this variant. (I) 1208 - Inheritance information for this variant is not currently available in this individual. (I) Legend: (SP) - Supporting pathogenic, (I) - Information, (SB) - Supporting benign

Department of Otolaryngology – Head & Neck Surgery, Cochlear Implant Center
Classification: Likely pathogenic for Hearing impairment. Last evaluated: 2021-04-12. Review status: criteria provided, single submitter. Criteria: ClinGen HL ACMG Specifications v1. Collection method: clinical testing. Allele origin: germline. Affected: yes.
Comment: PVS1_Strong, PM2_Moderate

Literature cited by the submitters: PubMed 25230692 (cited by Victorian Clinical Genetics Services, Murdoch Childrens Research Institute); PubMed 32562050 (cited by Victorian Clinical Genetics Services, Murdoch Childrens Research Institute).